The following is an entry in ClinVar:

ClinVar aggregate classification (germline): Uncertain significance. Review status: criteria provided, multiple submitters, no conflicts (2 of 4 stars). 2 submissions from 2 submitters: Uncertain significance (2). Last evaluated 2026-01-26.

Conditions:
Hereditary cancer-predisposing syndrome. Also called: Neoplastic Syndromes, Hereditary; Hereditary Cancer Syndrome; Hereditary neoplastic syndrome; Tumor predisposition. Identifiers: Orphanet 140162, MedGen C0027672, MeSH D009386, MONDO:0015356.
Tumor predisposition syndrome 3 (TPDS3). Also called: Melanoma, cutaneous malignant, susceptibility to, 10; Glioma susceptibility 9; LONG TELOMERE SYNDROME, POT1-RELATED; POT1 Tumor Predisposition. Identifiers: Orphanet 618, MedGen C4014476, MONDO:0014368, OMIM 615848.

Allele frequency attached by ClinVar (database versions not stated): 1000 Genomes Project 30x 0.00031; gnomAD 0.00001; TOPMed 0.00001; ExAC 0.00002; gnomAD exomes 0.00002; 1000 Genomes Project 0.00020.

Submissions (2):

Labcorp Genetics (formerly Invitae), Labcorp
Classification: Uncertain significance for Tumor predisposition syndrome 3. Last evaluated: 2026-01-26. Review status: criteria provided, single submitter. Criteria: Invitae Variant Classification Sherloc (09022015). Collection method: clinical testing. Allele origin: germline.
Comment: This sequence change replaces asparagine, which is neutral and polar, with aspartic acid, which is acidic and polar, at codon 24 of the POT1 protein (p.Asn24Asp). This variant is present in population databases (rs201796132, gnomAD 0.02%). This variant has not been reported in the literature in individuals affected with POT1-related conditions. ClinVar contains an entry for this variant (Variation ID: 1047038). Invitae Evidence Modeling of protein sequence and biophysical properties (such as structural, functional, and spatial information, amino acid conservation, physicochemical variation, residue mobility, and thermodynamic stability) indicates that this missense variant is not expected to disrupt POT1 protein function with a negative predictive value of 80%. In summary, the available evidence is currently insufficient to determine the role of this variant in disease. Therefore, it has been classified as a Variant of Uncertain Significance.

Ambry Genetics
Classification: Uncertain significance for Hereditary cancer-predisposing syndrome. Last evaluated: 2024-10-01. Review status: criteria provided, single submitter. Criteria: Ambry Variant Classification Scheme 2023. Collection method: clinical testing. Allele origin: germline.

NM_015450.3(POT1):c.70A>G (p.Asn24Asp)

Gene: POT1 (protection of telomeres 1; minus strand). Cytogenetic location: 7q31.33.
Variant type: single nucleotide variant.
Coding change: c.70A>G on transcript NM_015450.3 (MANE Select); coding-DNA position 70, A replaced by G.
Protein change: p.Asn24Asp; replaces asparagine 24 with aspartic acid.
Molecular consequence: missense variant. On other transcripts: 5 prime UTR variant (1), non-coding transcript variant (3).
Genome position (GRCh38, 1-based): chr7:124,892,320, T>C on the plus strand (A>G on the coding strand, the complement: POT1 is on the minus strand). VCF-style: chr7-124892320-T-C. GRCh37 (hg19) VCF-style: chr7-124532374-T-C.
Other names: c.-193A>G (NM_001042594.2); short protein forms N24D.
Identifiers: ClinVar variation 1047038 (VCV001047038.10), dbSNP rs201796132, ClinGen allele CA4465512.